The following is an entry in ClinVar:

NM_000051.4(ATM):c.1401C>T (p.Asp467=)

Gene: ATM (ATM serine/threonine kinase; plus strand). Cytogenetic location: 11q22.3.
Variant type: single nucleotide variant.
Coding change: c.1401C>T on transcript NM_000051.4 (MANE Select); coding-DNA position 1401, C replaced by T.
Protein change: p.Asp467=; no amino-acid change (aspartic acid 467 retained).
Molecular consequence: synonymous variant.
Genome position (GRCh38, 1-based): chr11:108,250,866, C>T. VCF-style: chr11-108250866-C-T. GRCh37 (hg19) VCF-style: chr11-108121593-C-T.
Other names: c.1401C>T, p.Asp467= (NM_001351834.2).
Identifiers: ClinVar variation 3254123 (VCV003254123.4), dbSNP rs2135321564.

ClinVar aggregate classification (germline): Benign/Likely benign. Review status: criteria provided, multiple submitters, no conflicts (2 of 4 stars). 3 submissions from 3 submitters: Benign (1); Likely benign (2). Last evaluated 2025-10-13.

Conditions:
Hereditary cancer-predisposing syndrome. Also called: Hereditary Cancer Syndrome; Tumor predisposition; Hereditary neoplastic syndrome; Neoplastic Syndromes, Hereditary. Identifiers: Orphanet 140162, MedGen C0027672, MeSH D009386, MONDO:0015356.
Familial cancer of breast. Also called: BREAST CANCER, FAMILIAL; Hereditary breast cancer; hereditary breast carcinoma. Identifiers: Orphanet 227535, MedGen C0346153, MONDO:0016419, OMIM 114480. Disease mechanism: loss of function.

Allele frequency attached by ClinVar (database versions not stated): gnomAD exomes below 0.00001.
gnomAD v4.1: 1 of 1,614,042 alleles (0.000062%); highest among the groups gnomAD compares: Non-Finnish European, 0.000085%; no homozygotes.

Submissions (3):

Ambry Genetics
Classification: Likely benign for Hereditary cancer-predisposing syndrome. Last evaluated: 2025-10-13. Review status: criteria provided, single submitter. Criteria: Ambry Variant Classification Scheme 2023. Collection method: clinical testing. Allele origin: germline.

Center for Genomic Medicine, Rigshospitalet, Copenhagen University Hospital
Classification: Likely benign. Last evaluated: 2025-03-04. Review status: criteria provided, single submitter. Criteria: ACMG Guidelines, 2015. Collection method: clinical testing. Allele origin: germline.

Myriad Genetics, Inc.
Classification: Benign for Familial cancer of breast. Last evaluated: 2024-04-29. Review status: criteria provided, single submitter. Criteria: Myriad Autosomal Dominant, Autosomal Recessive and X-Linked Classification Criteria (2023). Collection method: clinical testing. Allele origin: unknown.
Comment: This variant is considered benign. This variant is a silent/synonymous amino acid change and it is not expected to impact splicing.